The following is an entry in ClinVar:

ClinVar aggregate classification (germline): Uncertain significance (1 of 4 stars; one submission).

gnomAD v4.1: 43 of 1,613,744 alleles (0.0027%); highest among the groups gnomAD compares: East Asian, 0.0045%; no homozygotes.

Submission:

Labcorp Genetics (formerly Invitae), Labcorp
Classification: Uncertain significance. Last evaluated: 2022-10-05. Review status: criteria provided, single submitter. Criteria: Invitae Variant Classification Sherloc (09022015). Collection method: clinical testing. Allele origin: germline.
Comment: In summary, the available evidence is currently insufficient to determine the role of this variant in disease. Therefore, it has been classified as a Variant of Uncertain Significance. Algorithms developed to predict the effect of missense changes on protein structure and function output the following: SIFT: "Tolerated"; PolyPhen-2: "Benign"; Align-GVGD: "Class C0". The valine amino acid residue is found in multiple mammalian species, which suggests that this missense change does not adversely affect protein function. This variant has not been reported in the literature in individuals affected with CTDP1-related conditions. This variant is present in population databases (rs777446741, gnomAD 0.005%). This sequence change replaces alanine, which is neutral and non-polar, with valine, which is neutral and non-polar, at codon 807 of the CTDP1 protein (p.Ala807Val).

NM_004715.5(CTDP1):c.2420C>T (p.Ala807Val)

Gene: CTDP1 (CTD phosphatase subunit 1; plus strand). Cytogenetic location: 18q23.
Variant type: single nucleotide variant.
Coding change: c.2420C>T on transcript NM_004715.5 (MANE Select); coding-DNA position 2420, C replaced by T.
Protein change: p.Ala807Val; replaces alanine 807 with valine.
Molecular consequence: missense variant. On other transcripts: intron variant (1).
Genome position (GRCh38, 1-based): chr18:79,728,909, C>T. VCF-style: chr18-79728909-C-T. GRCh37 (hg19) VCF-style: chr18-77488909-C-T.
Other names: c.2063C>T, p.Ala688Val (NM_001202504.1); c.2420C>T, p.Ala807Val (NM_001318511.2); c.2418-7446C>T (NM_048368.4); short protein forms A688V, A807V.
Identifiers: ClinVar variation 2420427 (VCV002420427.6), dbSNP rs777446741, ClinGen allele CA9010605.